The following is an entry in ClinVar:

ClinVar aggregate classification (germline): Uncertain significance (1 of 4 stars; one submission).

Conditions:
Cardiovascular phenotype. Identifiers: MedGen CN230736.

gnomAD v4.1: 3 of 1,612,558 alleles (0.00019%); highest among the groups gnomAD compares: Non-Finnish European, 0.00025%; no homozygotes.

Submission:

Ambry Genetics
Classification: Uncertain significance for Cardiovascular phenotype. Last evaluated: 2025-07-24. Review status: criteria provided, single submitter. Criteria: Ambry Variant Classification Scheme 2023. Collection method: clinical testing. Allele origin: germline.
Comment: The p.E493A variant (also known as c.1478A>C), located in coding exon 10 of the LMF1 gene, results from an A to C substitution at nucleotide position 1478. The glutamic acid at codon 493 is replaced by alanine, an amino acid with dissimilar properties. This amino acid position is conserved. In addition, this alteration is predicted to be tolerated by in silico analysis. Based on the available evidence, the clinical significance of this variant remains unclear.

NM_022773.4(LMF1):c.1478A>C (p.Glu493Ala)

Gene: LMF1 (lipase maturation factor 1; minus strand). Cytogenetic location: 16p13.3.
Variant type: single nucleotide variant.
Coding change: c.1478A>C on transcript NM_022773.4 (MANE Select); coding-DNA position 1478, A replaced by C.
Protein change: p.Glu493Ala; replaces glutamic acid 493 with alanine.
Molecular consequence: missense variant. On other transcripts: synonymous variant (1), non-coding transcript variant (1).
Genome position (GRCh38, 1-based): chr16:868,995, T>G on the plus strand (A>C on the coding strand, the complement: LMF1 is on the minus strand). VCF-style: chr16-868995-T-G. GRCh37 (hg19) VCF-style: chr16-918995-T-G.
Other names: c.827A>C, p.Glu276Ala (NM_001352017.2, NM_001352021.2); c.1079A>C, p.Glu360Ala (NM_001352018.2); c.1151A>C, p.Glu384Ala (NM_001352019.2); c.1398A>C, p.Arg466= (NM_001352020.1); short protein forms E493A, E384A, E276A, E360A.
Identifiers: ClinVar variation 4098527 (VCV004098527.1).